The following is an entry in ClinVar:

NM_002691.4(POLD1):c.464-3C>G

Gene: POLD1 (DNA polymerase delta 1, catalytic subunit; plus strand). Cytogenetic location: 19q13.33.
Variant type: single nucleotide variant.
Coding change: c.464-3C>G on transcript NM_002691.4 (MANE Select); 3 bases into the intron before coding-DNA position 464, C replaced by G.
Molecular consequence: intron variant.
Genome position (GRCh38, 1-based): chr19:50,401,996, C>G. VCF-style: chr19-50401996-C-G. GRCh37 (hg19) VCF-style: chr19-50905253-C-G.
Other names: c.464-3C>G (NM_001256849.1, NM_001438212.1, NM_001438213.1 and 3 more transcripts).
Identifiers: ClinVar variation 5026996 (VCV005026996.1).
Genomic context (GRCh38, chr19:50,401,996, plus strand): 5'-CTACCCAGCCCCTCCCTGAGCCACTGGAGCCCCCTGCACCTCTGATCATCCCTCCCACAC[C>G]AGGTTTCGGGCCCGAGCACATGGGTGACCTGCAACGGGAGCTGAACTTGGCCATCAGCCG-3'

ClinVar aggregate classification (germline): Uncertain significance (1 of 4 stars; one submission).

Conditions:
Hereditary cancer-predisposing syndrome. Also called: Neoplastic Syndromes, Hereditary; Tumor predisposition; Hereditary neoplastic syndrome; Hereditary Cancer Syndrome. Identifiers: Orphanet 140162, MedGen C0027672, MeSH D009386, MONDO:0015356.

gnomAD v4.1: 1 of 1,614,138 alleles (0.000062%); highest among the groups gnomAD compares: Non-Finnish European, 0.000085%; no homozygotes.

Submission:

Ambry Genetics
Classification: Uncertain significance for Hereditary cancer-predisposing syndrome. Last evaluated: 2026-08-10. Review status: criteria provided, single submitter. Criteria: Ambry Variant Classification Scheme 2023. Collection method: clinical testing. Allele origin: germline.
Comment: The c.464-3C>G intronic variant results from a C to G substitution 3 nucleotides upstream from coding exon 4 in the POLD1 gene. This nucleotide position is highly conserved in available vertebrate species. In silico splice site analysis predicts that this alteration may weaken the native splice acceptor site. Based on the available evidence, the clinical significance of this variant remains unclear.